The following is an entry in ClinVar:

NM_000660.7(TGFB1):c.832C>G (p.Arg278Gly)

Gene: TGFB1 (transforming growth factor beta 1; minus strand). Cytogenetic location: 19q13.2.
Variant type: single nucleotide variant.
Coding change: c.832C>G on transcript NM_000660.7 (MANE Select); coding-DNA position 832, C replaced by G.
Protein change: p.Arg278Gly; replaces arginine 278 with glycine.
Molecular consequence: missense variant.
Genome position (GRCh38, 1-based): chr19:41,341,911, G>C on the plus strand (C>G on the coding strand, the complement: TGFB1 is on the minus strand). VCF-style: chr19-41341911-G-C. GRCh37 (hg19) VCF-style: chr19-41847816-G-C.
Other names: short protein forms R278G.
Identifiers: ClinVar variation 1416735 (VCV001416735.6), dbSNP rs1599888650, ClinGen allele CA405999298.

ClinVar aggregate classification (germline): Uncertain significance (1 of 4 stars; one submission).

Submission:

Labcorp Genetics (formerly Invitae), Labcorp
Classification: Uncertain significance. Last evaluated: 2022-08-19. Review status: criteria provided, single submitter. Criteria: Invitae Variant Classification Sherloc (09022015). Collection method: clinical testing. Allele origin: germline.
Comment: This sequence change replaces arginine, which is basic and polar, with glycine, which is neutral and non-polar, at codon 278 of the TGFB1 protein (p.Arg278Gly). This variant is not present in population databases (gnomAD no frequency). In summary, the available evidence is currently insufficient to determine the role of this variant in disease. Therefore, it has been classified as a Variant of Uncertain Significance. Algorithms developed to predict the effect of missense changes on protein structure and function (SIFT, PolyPhen-2, Align-GVGD) all suggest that this variant is likely to be disruptive. This variant has not been reported in the literature in individuals affected with TGFB1-related conditions.